The following is an entry in ClinVar:

ClinVar aggregate classification (germline): Uncertain significance. Review status: criteria provided, multiple submitters, no conflicts (2 of 4 stars). 2 submissions from 2 submitters: Uncertain significance (2). Last evaluated 2024-12-04.

Conditions:
Spastic paraplegia. Identifiers: MedGen C0037772, HP:0001258.

Allele frequency attached by ClinVar (database versions not stated): ExAC 0.00009; gnomAD exomes 0.00011 and 0.00032; gnomAD 0.00017 and 0.00019; TOPMed 0.00031.

Submissions (2):

Ambry Genetics
Classification: Uncertain significance. Last evaluated: 2024-12-04. Review status: criteria provided, single submitter. Criteria: Ambry Variant Classification Scheme 2023. Collection method: clinical testing. Allele origin: germline.

Labcorp Genetics (formerly Invitae), Labcorp
Classification: Uncertain significance for Spastic paraplegia. Last evaluated: 2024-11-19. Review status: criteria provided, single submitter. Criteria: Invitae Variant Classification Sherloc (09022015). Collection method: clinical testing. Allele origin: germline.
Comment: This sequence change replaces arginine, which is basic and polar, with histidine, which is basic and polar, at codon 544 of the ARSI protein (p.Arg544His). This variant is present in population databases (rs763136370, gnomAD 0.02%). This variant has not been reported in the literature in individuals affected with ARSI-related conditions. ClinVar contains an entry for this variant (Variation ID: 661582). An algorithm developed to predict the effect of missense changes on protein structure and function outputs the following: PolyPhen-2: "Benign". The histidine amino acid residue is found in multiple mammalian species, which suggests that this missense change does not adversely affect protein function. In summary, the available evidence is currently insufficient to determine the role of this variant in disease. Therefore, it has been classified as a Variant of Uncertain Significance.

NM_001012301.4(ARSI):c.1631G>A (p.Arg544His)

Gene: ARSI (arylsulfatase family member I; minus strand). Cytogenetic location: 5q32.
Variant type: single nucleotide variant.
Coding change: c.1631G>A on transcript NM_001012301.4 (MANE Select); coding-DNA position 1631, G replaced by A.
Protein change: p.Arg544His; replaces arginine 544 with histidine.
Molecular consequence: missense variant.
Genome position (GRCh38, 1-based): chr5:150,297,293, C>T on the plus strand (G>A on the coding strand, the complement: ARSI is on the minus strand). VCF-style: chr5-150297293-C-T. GRCh37 (hg19) VCF-style: chr5-149676856-C-T.
Other names: short protein forms R544H.
Identifiers: ClinVar variation 661582 (VCV000661582.10), dbSNP rs763136370, ClinGen allele CA3510032.
Genomic context (GRCh38, chr5:150,297,293, plus strand): 5'-AGCCTGGTGTTGAGTTTACGGAAAAAGGATCGAAGCTTGCAAATCTTGCATTTTTTCTTG[C>T]GACGACCCCGGGAGAAGCTTCGAGCCCTCCCTTCCTCTTCCTCCTCTTCCTCATCACTGG-3'
Protein context (NP_001012301.1, residues 534-554): GRARSFSRGR[Arg544His]KKKCKICKLR